The following is an entry in ClinVar:

NM_004656.4(BAP1):c.169del (p.Arg57fs)

Gene: BAP1 (BRCA1 associated deubiquitinase 1; minus strand). Cytogenetic location: 3p21.1.
Variant type: Deletion.
Coding change: c.169del on transcript NM_004656.4 (MANE Select); coding-DNA position 169, one base deleted (C; older notation c.169delC).
Protein change: p.Arg57fs; shifts the reading frame from arginine 57.
Molecular consequence: frameshift variant.
Genome position (GRCh38, 1-based): chr3:52,408,560, G deleted on the plus strand (C on the coding strand, the reverse complement: BAP1 is on the minus strand); the first of 2 consecutive G bases (chr3:52,408,560-52,408,561); deleting either gives the same sequence. VCF-style (leftmost placement, unchanged base first): chr3-52408559-CG-C. GRCh37 (hg19) VCF-style: chr3-52442575-CG-C.
Other names: c.169del, p.Arg57fs (NM_001410772.1); c.169delC (NM_004656.2); short protein forms R57fs.
Identifiers: ClinVar variation 2585680 (VCV002585680.2), dbSNP rs2471358250, ClinGen allele CA2582342864.
Genomic context (GRCh38, chr3:52,408,559, plus strand): 5'-ACAATATCATCATCAATCACGGACGTATCATCCACCAAGGTAGAGACCTTTCGCCGGGAC[CG>C]GCGCTCTTCGATCCATTTGAACAGGAAGATAAATCCATATACAGGGCTGGGGGAAGTAAG-3'

ClinVar aggregate classification (germline): Pathogenic (1 of 4 stars; one submission).

Conditions:
Hereditary cancer-predisposing syndrome. Also called: Hereditary neoplastic syndrome; Tumor predisposition; Hereditary Cancer Syndrome; Neoplastic Syndromes, Hereditary. Identifiers: Orphanet 140162, MedGen C0027672, MeSH D009386, MONDO:0015356.

Submission:

Ambry Genetics
Classification: Pathogenic for Hereditary cancer-predisposing syndrome. Last evaluated: 2023-09-11. Review status: criteria provided, single submitter. Criteria: Ambry Variant Classification Scheme 2023. Collection method: clinical testing. Allele origin: germline.
Comment: The c.169delC pathogenic mutation, located in coding exon 4 of the BAP1 gene, results from a deletion of one nucleotide at nucleotide position 169, causing a translational frameshift with a predicted alternate stop codon (p.R57Gfs*15). This alteration is expected to result in loss of function by premature protein truncation or nonsense-mediated mRNA decay. As such, this alteration is interpreted as a disease-causing mutation.